The following is an entry in ClinVar:

NM_001365536.1(SCN9A):c.1974+9G>A

Genes: SCN1A-AS1 (SCN1A and SCN9A antisense RNA 1; plus strand), SCN9A (sodium voltage-gated channel alpha subunit 9; minus strand). Cytogenetic location: 2q24.3.
Variant type: single nucleotide variant.
Coding change: c.1974+9G>A on transcript NM_001365536.1 (MANE Select); 9 bases into the intron after coding-DNA position 1974, G replaced by A.
Molecular consequence: intron variant.
Genome position (GRCh38, 1-based): chr2:166,284,444, C>T on the plus strand (G>A on the coding strand, the complement: SCN9A is on the minus strand). VCF-style: chr2-166284444-C-T. GRCh37 (hg19) VCF-style: chr2-167140954-C-T.
Other names: c.1941+42G>A (NM_002977.4).
Identifiers: ClinVar variation 3041636 (VCV003041636.2), dbSNP rs73969656, ClinGen allele CA1944386.
Genomic context (GRCh38, chr2:166,284,444, plus strand): 5'-TCAGCAGAGAGACTGACTGATGCAGGAACAAGGGCCCAGCCATGCCTGAGCTATGTAAAA[C>T]GTCCTTACGCTGTCATCAGAAGTTGCCTTATCTATTATCACCTCTGGCAGAAGCTGTCCA-3'

ClinVar aggregate classification (germline): Benign (0 of 4 stars; one submission).

Conditions:
SCN9A-related disorder. Also called: SCN9A-related condition; SCN9A-related disorders.

Allele frequency attached by ClinVar (database versions not stated): gnomAD exomes 0.00235; ExAC 0.01435; gnomAD 0.02457; ESP Exome Variant Server 0.02524; TOPMed 0.02730; 1000 Genomes Project 0.02895.

Submission:

PreventionGenetics, part of Exact Sciences
Classification: Benign for SCN9A-related condition. Last evaluated: 2019-04-03. Review status: no assertion criteria provided. Collection method: clinical testing. Allele origin: germline.
Comment: This variant is classified as benign based on ACMG/AMP sequence variant interpretation guidelines (Richards et al. 2015 PMID: 25741868, with internal and published modifications).